The following is an entry in ClinVar:

NM_002755.4(MAP2K1):c.519A>T (p.Val173=)

Gene: MAP2K1 (mitogen-activated protein kinase kinase 1; plus strand). Cytogenetic location: 15q22.31.
Variant type: single nucleotide variant.
Coding change: c.519A>T on transcript NM_002755.4 (MANE Select); coding-DNA position 519, A replaced by T.
Protein change: p.Val173=; no amino-acid change (valine 173 retained).
Molecular consequence: synonymous variant.
Genome position (GRCh38, 1-based): chr15:66,444,658, A>T. VCF-style: chr15-66444658-A-T. GRCh37 (hg19) VCF-style: chr15-66736996-A-T.
Identifiers: ClinVar variation 632878 (VCV000632878.9), dbSNP rs1471931068, ClinGen allele CA490857077.
Genomic context (GRCh38, chr15:66,444,658, plus strand): 5'-ATTGAGTATTTTTCTTATCACCAGTATTTTCTTTTCTTTTACATTCCCTTTCCTCTAGGT[A>T]ATAAAAGGCCTGACATATCTGAGGGAGAAGCACAAGATCATGCACAGAGGTAAGAAGTTA-3'
Protein context (NP_002746.1, residues 163-183): EQILGKVSIA[Val173=]IKGLTYLREK

ClinVar aggregate classification (germline): Conflicting classifications of pathogenicity. Review status: criteria provided, conflicting classifications (1 of 4 stars). 2 submissions from 2 submitters: Uncertain significance (1); Likely benign (1). Last evaluated 2022-07-26.

Conditions:
RASopathy. Also called: Noonan spectrum disorder; rasopathies. Identifiers: Orphanet 536391, MedGen C5555857, MONDO:0021060.

Allele frequency attached by ClinVar (database versions not stated): TOPMed below 0.00001.

Submissions (2):

Labcorp Genetics (formerly Invitae), Labcorp
Classification: Likely benign for RASopathy. Last evaluated: 2022-07-26. Review status: criteria provided, single submitter. Criteria: Invitae Variant Classification Sherloc (09022015). Collection method: clinical testing. Allele origin: germline.

Women's Health and Genetics/Laboratory Corporation of America, LabCorp
Classification: Uncertain significance. Last evaluated: 2017-11-20. Review status: criteria provided, single submitter. Criteria: LabCorp Variant Classification Summary - May 2015. Collection method: clinical testing. Allele origin: germline.
Comment: Variant summary: The MAP2K1 c.519A>T (p.Val173Val) variant involves the alteration of a non-conserved nucleotide, resulting in a synonymous change. One in silico tool predicts a damaging outcome for this variant. 3/5 splice prediction tools predict a significant impact on normal splicing (loss of canonical splicing donor site). However, these predictions have yet to be confirmed by functional studies. This variant is absent in 246194 control chromosomes. The variant of interest has not, to our knowledge, been reported in affected individuals via publications and/or reputable databases/clinical diagnostic laboratories; nor evaluated for functional impact by in vivo/vitro studies. Taken together, this variant is classified as VUS.